The following is an entry in ClinVar:

ClinVar aggregate classification (germline): Pathogenic/Likely pathogenic. Review status: criteria provided, multiple submitters, no conflicts (2 of 4 stars). 2 submissions from 2 submitters: Pathogenic (1); Likely pathogenic (1). Last evaluated 2022-09-14.

Conditions:
Isolated microphthalmia 5. Also called: Posterior Microphthalmia with Retinitis Pigmentosa, Foveoschisis, and Optic Disc Drusen. Identifiers: Orphanet 251279, MedGen C1970236, MONDO:0012605, OMIM 611040.
Nanophthalmos 2 (NNO2). Also called: NANOPHTHALMIA 2; NANOPHTHALMOS, AUTOSOMAL RECESSIVE. Identifiers: Orphanet 35612, MedGen C1836006, MONDO:0012299, OMIM 609549.

Submissions (2):

Labcorp Genetics (formerly Invitae), Labcorp
Classification: Pathogenic for Isolated microphthalmia 5. Last evaluated: 2022-09-14. Review status: criteria provided, single submitter. Criteria: Invitae Variant Classification Sherloc (09022015). Collection method: clinical testing. Allele origin: germline.
Comment: This variant has not been reported in the literature in individuals affected with MFRP-related conditions. This sequence change creates a premature translational stop signal (p.Asp445Leufs*7) in the MFRP gene. It is expected to result in an absent or disrupted protein product. Loss-of-function variants in MFRP are known to be pathogenic (PMID: 12140190, 15976030, 20361016). This variant is present in population databases (rs767900062, gnomAD 0.03%). For these reasons, this variant has been classified as Pathogenic.

Juno Genomics, Hangzhou Juno Genomics, Inc
Classification: Likely pathogenic for Isolated microphthalmia 5; Nanophthalmos 2. Review status: criteria provided, single submitter. Criteria: ACMG Guidelines, 2015. Collection method: clinical testing. Allele origin: germline.
Comment: Absent from controls (or at extremely low frequency if recessive) in Genome Aggregation Database.;Null variant in a gene where loss of function (LOF) is a known mechanism of disease.

Literature cited by the submitters: PubMed 12140190 (cited by Labcorp Genetics (formerly Invitae), Labcorp); PubMed 15976030 (cited by Labcorp Genetics (formerly Invitae), Labcorp); PubMed 20361016 (cited by Labcorp Genetics (formerly Invitae), Labcorp).

NM_031433.4(MFRP):c.1333_1334del (p.Asp445fs)

Genes: C1QTNF5 (C1q and TNF related 5; minus strand), MFRP (membrane frizzled-related protein; minus strand). Cytogenetic location: 11q23.3.
Variant type: Microsatellite.
Coding change: c.1333_1334del on transcript NM_031433.4 (MANE Select); coding-DNA positions 1333 to 1334, 2 bases deleted (GA; older notation c.1333_1334delGA).
Protein change: p.Asp445fs; shifts the reading frame from aspartic acid 445.
Molecular consequence: frameshift variant. On other transcripts: 5 prime UTR variant (1).
Genome position (GRCh38, 1-based): chr11:119,342,649-119,342,650, TC deleted on the plus strand (GA on the coding strand, the reverse complement: MFRP is on the minus strand); deleting any 2 consecutive bases within chr11:119,342,649-119,342,654 gives the same sequence; the c. name uses the placement nearest the transcript's 3' end. VCF-style (leftmost placement, unchanged base first): chr11-119342648-GTC-G. GRCh37 (hg19) VCF-style: chr11-119213358-GTC-G.
Other names: c.-1308GA[2] (NM_015645.5); short protein forms D445fs.
Identifiers: ClinVar variation 2194741 (VCV002194741.5), dbSNP rs767900062, ClinGen allele CA6320150.